The following is an entry in ClinVar:

ClinVar aggregate classification (germline): Uncertain significance (1 of 4 stars; one submission).

Conditions:
Hereditary cancer-predisposing syndrome. Also called: Hereditary Cancer Syndrome; Neoplastic Syndromes, Hereditary; Tumor predisposition; Hereditary neoplastic syndrome. Identifiers: Orphanet 140162, MedGen C0027672, MeSH D009386, MONDO:0015356.

Submission:

Ambry Genetics
Classification: Uncertain significance for Hereditary cancer-predisposing syndrome. Last evaluated: 2024-12-02. Review status: criteria provided, single submitter. Criteria: Ambry Variant Classification Scheme 2023. Collection method: clinical testing. Allele origin: germline.
Comment: The p.A1606V variant (also known as c.4817C>T), located in coding exon 15 of the APC gene, results from a C to T substitution at nucleotide position 4817. The alanine at codon 1606 is replaced by valine, an amino acid with similar properties. This amino acid position is well conserved in available vertebrate species. Missense alterations in APC are not a common cause of disease (Spier I et al. Genet Med. 2024 Feb;26(2):100992). In addition, in silico predictors for this gene do not accurately predict pathogenicity. Since supporting evidence is limited at this time, the clinical significance of this alteration remains unclear.

NM_000038.6(APC):c.4817C>T (p.Ala1606Val)

Gene: APC (APC regulator of Wnt signaling pathway; plus strand). Cytogenetic location: 5q22.2.
Variant type: single nucleotide variant.
Coding change: c.4817C>T on transcript NM_000038.6 (MANE Select); coding-DNA position 4817, C replaced by T.
Protein change: p.Ala1606Val; replaces alanine 1606 with valine.
Molecular consequence: missense variant.
Genome position (GRCh38, 1-based): chr5:112,840,411, C>T. VCF-style: chr5-112840411-C-T. GRCh37 (hg19) VCF-style: chr5-112176108-C-T.
Other names: c.4817C>T, p.Ala1606Val (NM_001127510.3, NM_001354895.2, NM_001407450.1); c.4763C>T, p.Ala1588Val (NM_001127511.3); c.4871C>T, p.Ala1624Val (NM_001354896.2, NM_001407447.1, NM_001407448.1 and 1 more transcripts); c.4847C>T, p.Ala1616Val (NM_001354897.2); c.4742C>T, p.Ala1581Val (NM_001354898.2); c.4733C>T, p.Ala1578Val (NM_001354899.2); c.4694C>T, p.Ala1565Val (NM_001354900.2); c.4640C>T, p.Ala1547Val (NM_001354901.2, NM_001407453.1); and 11 more; short protein forms A1323V, A1480V, A1581V, A1596V, A1505V, A1523V, A1599V, A1477V.
Identifiers: ClinVar variation 1743322 (VCV001743322.3), dbSNP rs1765773990, ClinGen allele CA16031887.